The following is an entry in ClinVar:

ClinVar aggregate classification (germline): Likely benign. Review status: criteria provided, multiple submitters, no conflicts (2 of 4 stars). 4 submissions from 4 submitters: Likely benign (4). Last evaluated 2025-11-18.

Conditions:
Primary ciliary dyskinesia. Also called: Ciliary dyskinesia. Identifiers: Orphanet 244, MedGen C0008780, MONDO:0016575, HP:0012265.

Allele frequency attached by ClinVar (database versions not stated): gnomAD exomes 0.00018 and 0.00022; ExAC 0.00021; gnomAD 0.00021; 1000 Genomes Project 30x 0.00031; TOPMed 0.00031; 1000 Genomes Project 0.00040.
gnomAD v4.1: 352 of 1,612,974 alleles (0.022%); highest among the groups gnomAD compares: South Asian, 0.053%; 2 homozygotes.

Submissions (4):

Labcorp Genetics (formerly Invitae), Labcorp
Classification: Likely benign for Primary ciliary dyskinesia. Last evaluated: 2025-11-18. Review status: criteria provided, single submitter. Criteria: Invitae Variant Classification Sherloc (09022015). Collection method: clinical testing. Allele origin: germline.

Blueprint Genetics
Classification: Likely benign. Last evaluated: 2024-10-24. Review status: criteria provided, single submitter. Criteria: ACMG Guidelines, 2015. Collection method: clinical testing. Allele origin: germline.

Ambry Genetics
Classification: Likely benign for Primary ciliary dyskinesia. Last evaluated: 2018-06-22. Review status: criteria provided, single submitter. Criteria: Ambry Variant Classification Scheme 2023. Collection method: clinical testing. Allele origin: germline.

Laboratory for Molecular Medicine, Mass General Brigham Personalized Medicine
Classification: Likely benign. Last evaluated: 2015-12-10. Review status: criteria provided, single submitter. Criteria: LMM Criteria. Collection method: clinical testing. Allele origin: germline. Observed: 2 variant alleles.
Comment: p.Asp578Asp in exon 4 of RSPH4A: This variant is not expected to have clinical s ignificance because it does not alter an amino acid residue and is not located w ithin the splice consensus sequence. It has been identified in 16/66676 European chromosomes by the Exome Aggregation Consortium (ExAC; dbSNP rs188903141).

NM_001010892.3(RSPH4A):c.1734C>T (p.Asp578=)

Gene: RSPH4A (radial spoke head component 4A; plus strand). Cytogenetic location: 6q22.1.
Variant type: single nucleotide variant.
Coding change: c.1734C>T on transcript NM_001010892.3 (MANE Select); coding-DNA position 1734, C replaced by T.
Protein change: p.Asp578=; no amino-acid change (aspartic acid 578 retained).
Molecular consequence: synonymous variant. On other transcripts: intron variant (1).
Genome position (GRCh38, 1-based): chr6:116,629,638, C>T. VCF-style: chr6-116629638-C-T. GRCh37 (hg19) VCF-style: chr6-116950801-C-T.
Other names: c.1663-797C>T (NM_001161664.2).
Identifiers: ClinVar variation 227902 (VCV000227902.19), dbSNP rs188903141, ClinGen allele CA3971020.